The following is an entry in ClinVar:

NM_000203.5(IDUA):c.972+1G>A

Gene: IDUA (alpha-L-iduronidase; plus strand). Cytogenetic location: 4p16.3.
Variant type: single nucleotide variant.
Coding change: c.972+1G>A on transcript NM_000203.5 (MANE Select); the canonical splice donor site of the intron after coding-DNA position 972, G replaced by A.
Molecular consequence: splice donor variant.
Genome position (GRCh38, 1-based): chr4:1,002,162, G>A. VCF-style: chr4-1002162-G-A. GRCh37 (hg19) VCF-style: chr4-995950-G-A.
Other names: c.576+1G>A (NM_001363576.1).
Identifiers: ClinVar variation 198406 (VCV000198406.9), dbSNP rs794727840, ClinGen allele CA275387.

ClinVar aggregate classification (germline): Pathogenic. Review status: reviewed by expert panel (3 of 4 stars). 4 submissions from 4 submitters: Pathogenic (1). 3 of the submissions do not count toward it. Last evaluated 2025-12-01.

Conditions:
Mucopolysaccharidosis type 1. Also called: IDUA deficiency; MPS I; Mucopolysaccharidosis Type I. Identifiers: Orphanet 579, MedGen C0023786, MONDO:0001586.

Submissions (4):

ClinGen Lysosomal Storage Disorder Variant Curation Expert Panel
Classification: Pathogenic for Mucopolysaccharidosis type 1. Last evaluated: 2025-12-01. Review status: reviewed by expert panel. Criteria: ClinGen LSD ACMG Specifications IDUA V1.1.0. Collection method: curation. Allele origin: germline. Inheritance: Autosomal recessive inheritance.
Comment: The NM_000203.5:c.972+1G>A variant in IDUA occurs within the canonical splice donor site of intron 7. It is predicted to cause skipping of biologically-relevant-exon 7 out of 14, resulting in a frameshift leading to nonsense mediated decay in a gene in which loss-of-function is an established disease mechanism (PMID: 27520059)(PVS1). A different nucleotide change within the same splice donor dinucleotide, c.972+2T>C (PMID:8213840), is classified as pathogenic for MPS I by the ClinGen Lysosomal Diseases VCEP (PS1_Supporting). This variant is absent in gnomAD v4.1.0. (PM2_Supporting). At least 1 patient with this variant had documented IDUA deficiency and clinical features specific to MPS I including hepatosplenomegaly and corneal involvement, therefore PP4 is met (PP4). In summary, this variant meets the criteria to be classified as pathogenic for MPS I based on the IDUA-specific ACMG/AMP criteria applied, as specified by the ClinGen Lysosomal Diseases Variant Curation Expert Panel (Specifications Version 1.1.0): PVS1, PS1_Supporting, PM2_Supporting, PP4. (Classification approved by the ClinGen Lysosomal Diseases Variant Curation Expert Panel on December 1, 2025)

Myriad Genetics, Inc.
Classification: Likely pathogenic for Mucopolysaccharidosis type 1. Last evaluated: 2025-10-10. Review status: criteria provided, single submitter. Criteria: Myriad Autosomal Dominant, Autosomal Recessive and X-Linked Classification Criteria (2023). Collection method: clinical testing. Allele origin: unknown. Not counted in ClinVar's aggregate classification.
Comment: NM_000203.3(IDUA):c.972+1G>A is a variant in a canonical splice site classified as likely pathogenic in the context of mucopolysaccharidosis type I. c.972+1G>A has been observed in cases with relevant disease (PMID: 37530313, 27520059, 28752568). Relevant functional assessments of this variant are not available in the literature. c.972+1G>A has not been observed in referenced population frequency databases. In summary, NM_000203.3(IDUA):c.972+1G>A is a variant in a canonical splice site that has been observed more frequently in cases with the relevant disease than in healthy populations. Please note: this variant was assessed in the context of healthy population screening.

Labcorp Genetics (formerly Invitae), Labcorp
Classification: Pathogenic for Mucopolysaccharidosis type 1. Last evaluated: 2023-02-26. Review status: criteria provided, single submitter. Criteria: Invitae Variant Classification Sherloc (09022015). Collection method: clinical testing. Allele origin: germline. Not counted in ClinVar's aggregate classification.
Comment: This sequence change affects a donor splice site in intron 7 of the IDUA gene. It is expected to disrupt RNA splicing. Variants that disrupt the donor or acceptor splice site typically lead to a loss of protein function (PMID: 16199547), and loss-of-function variants in IDUA are known to be pathogenic (PMID: 11735025, 21480867). This variant is not present in population databases (gnomAD no frequency). Disruption of this splice site has been observed in individual(s) with Hurler-Scheie syndrome (PMID: 27520059). ClinVar contains an entry for this variant (Variation ID: 198406). Algorithms developed to predict the effect of sequence changes on RNA splicing suggest that this variant may disrupt the consensus splice site. For these reasons, this variant has been classified as Pathogenic.

Eurofins Ntd Llc (ga)
Classification: Pathogenic. Last evaluated: 2014-11-21. Review status: criteria provided, single submitter. Criteria: EGL Classification Definitions 2015. Collection method: clinical testing. Allele origin: germline. Observed: 2 variant alleles, 2 heterozygotes. Not counted in ClinVar's aggregate classification.

Literature cited by the submitters: PubMed 27520059 (cited by Myriad Genetics, Inc. and Labcorp Genetics (formerly Invitae), Labcorp); PubMed 28752568 (cited by Myriad Genetics, Inc.); PubMed 37530313 (cited by Myriad Genetics, Inc.); PubMed 16199547 (cited by Labcorp Genetics (formerly Invitae), Labcorp); PubMed 11735025 (cited by Labcorp Genetics (formerly Invitae), Labcorp); PubMed 21480867 (cited by Labcorp Genetics (formerly Invitae), Labcorp).